The following is an entry in ClinVar:

ClinVar aggregate classification (germline): Uncertain significance (1 of 4 stars; one submission).

Conditions:
3-hydroxy-3-methylglutaryl-CoA synthase deficiency (HMGCS2D). Also called: HMG-CoA synthase-2 deficiency; MITOCHONDRIAL HMG-CoA SYNTHASE DEFICIENCY; HMGCS2 DEFICIENCY. Identifiers: Orphanet 35701, MedGen C2751532, MONDO:0011614, OMIM 605911.

Submission:

Labcorp Genetics (formerly Invitae), Labcorp
Classification: Uncertain significance for 3-hydroxy-3-methylglutaryl-CoA synthase deficiency. Last evaluated: 2022-04-11. Review status: criteria provided, single submitter. Criteria: Invitae Variant Classification Sherloc (09022015). Collection method: clinical testing. Allele origin: germline.
Comment: In summary, the available evidence is currently insufficient to determine the role of this variant in disease. Therefore, it has been classified as a Variant of Uncertain Significance. Algorithms developed to predict the effect of missense changes on protein structure and function output the following: SIFT: "Tolerated"; PolyPhen-2: "Benign"; Align-GVGD: "Class C0". The glycine amino acid residue is found in multiple mammalian species, which suggests that this missense change does not adversely affect protein function. This variant has not been reported in the literature in individuals affected with HMGCS2-related conditions. This variant is not present in population databases (gnomAD no frequency). This sequence change replaces serine, which is neutral and polar, with glycine, which is neutral and non-polar, at codon 325 of the HMGCS2 protein (p.Ser325Gly).

NM_005518.4(HMGCS2):c.973A>G (p.Ser325Gly)

Gene: HMGCS2 (3-hydroxy-3-methylglutaryl-CoA synthase 2; minus strand). Cytogenetic location: 1p12.
Variant type: single nucleotide variant.
Coding change: c.973A>G on transcript NM_005518.4 (MANE Select); coding-DNA position 973, A replaced by G.
Protein change: p.Ser325Gly; replaces serine 325 with glycine.
Molecular consequence: missense variant.
Genome position (GRCh38, 1-based): chr1:119,757,316, T>C on the plus strand (A>G on the coding strand, the complement: HMGCS2 is on the minus strand). VCF-style: chr1-119757316-T-C. GRCh37 (hg19) VCF-style: chr1-120299939-T-C.
Other names: c.847A>G, p.Ser283Gly (NM_001166107.1); short protein forms S325G, S283G.
Identifiers: ClinVar variation 1916290 (VCV001916290.3), dbSNP rs2464255773, ClinGen allele CA341860280.